The following is an entry in ClinVar:

ClinVar aggregate classification (germline): Uncertain significance (1 of 4 stars; one submission).

Conditions:
Pure gonadal dysgenesis 46,XY. Also called: 46,XY complete gonadal dysgenesis; 46,XY sex reversal; 46, XY CGD; 46, XY complete gonadal dysgenesis; 46, XY pure gonadal dysgenesis; Gonadal dysgenesis, XY female type. Identifiers: Orphanet 242, MedGen C2936694, MONDO:0010765.

Submission:

Seattle Children's Hospital Molecular Genetics Laboratory, Seattle Children's Hospital
Classification: Uncertain significance for Pure gonadal dysgenesis 46,XY. Last evaluated: 2022-03-17. Review status: criteria provided, single submitter. Criteria: ACMG Guidelines, 2015. Collection method: clinical testing. Allele origin: maternal. Inheritance: Autosomal dominant inheritance. Affected: yes.
Comment: This variant has not been documented in large population cohorts (gnomAD v2.1.1) but has been reported in one individual with atypical CHARGE syndrome (PMID: 33189935). The p.Leu1463Pro variant substitutes the leucine with proline at position 1463 of the protein. This is an evolutionarily conserved amino acid residue located within the helicase C-terminal domain (UniProt Q9P2D1; aa# 1294 -1464). This variant is predicted to be damaging to protein function by multiple in silico tools, but these predictions have not been confirmed by functional studies. There are 11 pathogenic predictions from DANN, DEOGEN2, EIGEN, FATHMM-MKL, M-CAP, MVP, MutationAssessor, MutationTaster, PrimateAI, REVEL and SIFT versus no benign predictions from in silico tools.

Literature cited by the submitters: PubMed 33189935.

NM_017780.4(CHD7):c.4388T>C (p.Leu1463Pro)

Gene: CHD7 (chromodomain helicase DNA binding protein 7; plus strand). Cytogenetic location: 8q12.2.
Variant type: single nucleotide variant.
Coding change: c.4388T>C on transcript NM_017780.4 (MANE Select); coding-DNA position 4388, T replaced by C.
Protein change: p.Leu1463Pro; replaces leucine 1463 with proline.
Molecular consequence: missense variant. On other transcripts: intron variant (1).
Genome position (GRCh38, 1-based): chr8:60,838,110, T>C. VCF-style: chr8-60838110-T-C. GRCh37 (hg19) VCF-style: chr8-61750669-T-C.
Other names: c.1717-24119T>C (NM_001316690.1); short protein forms L1463P.
Identifiers: ClinVar variation 1344532 (VCV001344532.1), dbSNP rs2150779325, ClinGen allele CA371318120.